The following is an entry in ClinVar:

NM_000701.8(ATP1A1):c.746G>A (p.Cys249Tyr)

Gene: ATP1A1 (ATPase Na+/K+ transporting subunit alpha 1; plus strand). Cytogenetic location: 1p13.1.
Variant type: single nucleotide variant.
Coding change: c.746G>A on transcript NM_000701.8 (MANE Select); coding-DNA position 746, G replaced by A.
Protein change: p.Cys249Tyr; replaces cysteine 249 with tyrosine.
Molecular consequence: missense variant.
Genome position (GRCh38, 1-based): chr1:116,389,011, G>A. VCF-style: chr1-116389011-G-A. GRCh37 (hg19) VCF-style: chr1-116931633-G-A.
Other names: c.746G>A, p.Cys249Tyr (NM_001160233.2); c.653G>A, p.Cys218Tyr (NM_001160234.2); short protein forms C218Y, C249Y.
Identifiers: ClinVar variation 3392769 (VCV003392769.1).
Genomic context (GRCh38, chr1:116,389,011, plus strand): 5'-CAGATTTCACAAATGAAAACCCCCTGGAGACGAGGAACATTGCCTTCTTTTCAACCAATT[G>A]TGTTGAAGGTAGGCCATTTTTGGGCACTTTGAGCATGGCGTGGTATTTCTCTTGGGCATT-3'
Protein context (NP_000692.2, residues 239-259): TRNIAFFSTN[Cys249Tyr]VEGTARGIVV

ClinVar aggregate classification (germline): Uncertain significance (1 of 4 stars; one submission).

Submission:

GeneDx
Classification: Uncertain significance. Last evaluated: 2024-06-25. Review status: criteria provided, single submitter. Criteria: GeneDx Variant Classification Process June 2021. Collection method: clinical testing. Allele origin: germline. Affected: yes.
Comment: Not observed at significant frequency in large population cohorts (gnomAD); In silico analysis supports that this missense variant has a deleterious effect on protein structure/function; Has not been previously published as pathogenic or benign to our knowledge